The following is an entry in ClinVar:

ClinVar aggregate classification (germline): Uncertain significance (1 of 4 stars; one submission).

Conditions:
Neuronal ceroid lipofuscinosis. Also called: Neuronal Ceroid Lipofuscinoses. Identifiers: Orphanet 216, Orphanet 79263, MedGen C0027877, MONDO:0016295. Disease mechanism: loss of function.

Submission:

Labcorp Genetics (formerly Invitae), Labcorp
Classification: Uncertain significance for Neuronal ceroid lipofuscinosis. Last evaluated: 2021-10-22. Review status: criteria provided, single submitter. Criteria: Invitae Variant Classification Sherloc (09022015). Collection method: clinical testing. Allele origin: germline.
Comment: Algorithms developed to predict the effect of missense changes on protein structure and function are either unavailable or do not agree on the potential impact of this missense change (SIFT: "Deleterious"; PolyPhen-2: "Probably Damaging"; Align-GVGD: "Class C15"). This variant has not been reported in the literature in individuals affected with CLN3-related conditions. This variant is not present in population databases (ExAC no frequency). This sequence change replaces leucine with proline at codon 207 of the CLN3 protein (p.Leu207Pro). The leucine residue is highly conserved and there is a moderate physicochemical difference between leucine and proline. In summary, the available evidence is currently insufficient to determine the role of this variant in disease. Therefore, it has been classified as a Variant of Uncertain Significance.

NM_001042432.2(CLN3):c.620T>C (p.Leu207Pro)

Gene: CLN3 (CLN3 lysosomal/endosomal transmembrane protein, battenin; minus strand). Cytogenetic location: 16p12.1.
Variant type: single nucleotide variant.
Coding change: c.620T>C on transcript NM_001042432.2 (MANE Select); coding-DNA position 620, T replaced by C.
Protein change: p.Leu207Pro; replaces leucine 207 with proline.
Molecular consequence: missense variant.
Genome position (GRCh38, 1-based): chr16:28,486,404, A>G on the plus strand (T>C on the coding strand, the complement: CLN3 is on the minus strand). VCF-style: chr16-28486404-A-G. GRCh37 (hg19) VCF-style: chr16-28497725-A-G.
Other names: c.620T>C, p.Leu207Pro (NM_000086.2); c.548T>C, p.Leu183Pro (NM_001286104.2); c.320T>C, p.Leu107Pro (NM_001286105.2); c.386T>C, p.Leu129Pro (NM_001286109.2); c.458T>C, p.Leu153Pro (NM_001286110.2); short protein forms L129P, L153P, L183P, L107P, L207P.
Identifiers: ClinVar variation 1525569 (VCV001525569.6), dbSNP rs1411868641, ClinGen allele CA395345278.